The following is an entry in ClinVar:

NM_001287.6(CLCN7):c.*1389A>C

Gene: CLCN7 (chloride voltage-gated channel 7; minus strand). Cytogenetic location: 16p13.3.
Variant type: single nucleotide variant.
Coding change: c.*1389A>C on transcript NM_001287.6 (MANE Select); 1389 bases downstream of the stop codon, A replaced by C.
Molecular consequence: 3 prime UTR variant.
Genome position (GRCh38, 1-based): chr16:1,445,242, T>G on the plus strand (A>C on the coding strand, the complement: CLCN7 is on the minus strand). VCF-style: chr16-1445242-T-G. GRCh37 (hg19) VCF-style: chr16-1495243-T-G.
Other names: c.*1389A>C (NM_001114331.3).
Identifiers: ClinVar variation 317912 (VCV000317912.6), dbSNP rs710900, ClinGen allele CA10642938.

ClinVar aggregate classification (germline): Benign. Review status: criteria provided, multiple submitters, no conflicts (2 of 4 stars). 2 submissions from 2 submitters: Benign (2). Last evaluated 2018-01-13.

Conditions:
Osteopetrosis. Identifiers: Orphanet 2781, MedGen C0029454, MONDO:0017198, HP:0011002.

Allele frequency attached by ClinVar (database versions not stated): TOPMed 0.91067; gnomAD 0.90699 and 0.90678; 1000 Genomes Project 30x 0.92161; 1000 Genomes Project 0.91893; gnomAD exomes 0.92000.
gnomAD v4.1: 138,009 of 152,138 alleles (91%); highest among the groups gnomAD compares: East Asian, 95%; 62,626 homozygotes.

Submissions (2):

Illumina Laboratory Services, Illumina
Classification: Benign for Osteopetrosis. Last evaluated: 2018-01-13. Review status: criteria provided, single submitter. Criteria: ICSL Variant Classification Criteria 13 December 2019. Collection method: clinical testing. Allele origin: germline.
Comment: This variant was observed in the ICSL laboratory as part of a predisposition screen in an ostensibly healthy population. It had not been previously curated by ICSL or reported in the Human Gene Mutation Database (HGMD: prior to June 1st, 2018), and was therefore a candidate for classification through an automated scoring system. Utilizing variant allele frequency, disease prevalence and penetrance estimates, and inheritance mode, an automated score was calculated to assess if this variant is too frequent to cause the disease. Based on the score and internal cut-off values, a variant classified as benign is not then subjected to further curation. The score for this variant resulted in a classification of benign for this disease.

Breakthrough Genomics
Classification: Benign. Review status: criteria provided, single submitter. Criteria: ACMG Guidelines, 2015. Collection method: not provided. Allele origin: germline. Inheritance: Autosomal recessive inheritance. Affected: yes.